The following is an entry in ClinVar:

NM_005045.4(RELN):c.8949A>G (p.Gly2983=)

Genes: RELN (reelin; minus strand), SLC26A5-AS1 (SLC26A5 antisense RNA 1; plus strand). Cytogenetic location: 7q22.1.
Variant type: single nucleotide variant.
Coding change: c.8949A>G on transcript NM_005045.4 (MANE Select); coding-DNA position 8949, A replaced by G.
Protein change: p.Gly2983=; no amino-acid change (glycine 2983 retained).
Molecular consequence: synonymous variant.
Genome position (GRCh38, 1-based): chr7:103,497,821, T>C on the plus strand (A>G on the coding strand, the complement: RELN is on the minus strand). VCF-style: chr7-103497821-T-C. GRCh37 (hg19) VCF-style: chr7-103138268-T-C.
Other names: c.8949A>G, p.Gly2983= (NM_173054.3).
Identifiers: ClinVar variation 3749677 (VCV003749677.2).

ClinVar aggregate classification (germline): Uncertain significance (1 of 4 stars; one submission).

Conditions:
Norman-Roberts syndrome (LIS2). Also called: Lissencephaly 2 (Norman-Roberts type). Identifiers: Orphanet 89844, MedGen C0796089, MONDO:0009760, OMIM 257320.
Familial temporal lobe epilepsy 7. Identifiers: Orphanet 101046, MedGen C4225327, MONDO:0014639, OMIM 616436.

Submission:

Labcorp Genetics (formerly Invitae), Labcorp
Classification: Uncertain significance for Familial temporal lobe epilepsy 7; Norman-Roberts syndrome. Last evaluated: 2024-11-24. Review status: criteria provided, single submitter. Criteria: Invitae Variant Classification Sherloc (09022015). Collection method: clinical testing. Allele origin: germline.
Comment: This sequence change affects codon 2983 of the RELN mRNA. It is a 'silent' change, meaning that it does not change the encoded amino acid sequence of the RELN protein. It affects a nucleotide within the consensus splice site. This variant is not present in population databases (gnomAD no frequency). This variant has not been reported in the literature in individuals affected with RELN-related conditions. Algorithms developed to predict the effect of sequence changes on RNA splicing suggest that this variant may disrupt the consensus splice site. In summary, the available evidence is currently insufficient to determine the role of this variant in disease. Therefore, it has been classified as a Variant of Uncertain Significance.